The following is an entry in ClinVar:

ClinVar aggregate classification (germline): Benign/Likely benign. Review status: criteria provided, multiple submitters, no conflicts (2 of 4 stars). 8 submissions from 8 submitters: Benign (2); Likely benign (3). 3 of the submissions do not count toward it. Last evaluated 2026-08-01.

Conditions:
CCDC88C-related disorder. Also called: CCDC88C-Related Disorders; CCDC88C-related condition.

Allele frequency attached by ClinVar (database versions not stated): gnomAD exomes 0.00489 and 0.00358; 1000 Genomes Project 0.00040; 1000 Genomes Project 30x 0.00094; TOPMed 0.00267; gnomAD 0.00310 and 0.00330; ExAC 0.00326; ESP Exome Variant Server 0.00435.
gnomAD v4.1: 7,522 of 1,614,026 alleles (0.47%); highest among the groups gnomAD compares: Non-Finnish European, 0.55%; 29 homozygotes.

Submissions (8):

CeGaT Center for Human Genetics Tuebingen
Classification: Likely benign. Last evaluated: 2026-08-01. Review status: criteria provided, single submitter. Criteria: CeGaT Center For Human Genetics Tuebingen Variant Classification Criteria Version 2. Collection method: clinical testing. Allele origin: germline. Affected: yes. Observed: 11 variant alleles.
Comment: CCDC88C: BP4, BS2

Labcorp Genetics (formerly Invitae), Labcorp
Classification: Likely benign. Last evaluated: 2026-01-28. Review status: criteria provided, single submitter. Criteria: Invitae Variant Classification Sherloc (09022015). Collection method: clinical testing. Allele origin: germline.

Mayo Clinic Laboratories, Mayo Clinic
Classification: Benign. Last evaluated: 2025-07-14. Review status: criteria provided, single submitter. Criteria: ACMG Guidelines, 2015. Collection method: clinical testing. Allele origin: germline. Observed: 5 variant alleles.
Comment: BS1, BS2, BP4_moderate

Athena Diagnostics
Classification: Benign. Last evaluated: 2019-03-11. Review status: criteria provided, single submitter. Criteria: Athena Diagnostics criteria. Collection method: clinical testing. Allele origin: unknown.

Breakthrough Genomics
Classification: Likely benign. Review status: criteria provided, single submitter. Criteria: ACMG Guidelines, 2015. Collection method: not provided. Allele origin: germline. Inheritance: Autosomal recessive inheritance. Affected: yes.

PreventionGenetics, part of Exact Sciences
Classification: Benign for CCDC88C-related condition. Last evaluated: 2019-12-09. Review status: no assertion criteria provided. Collection method: clinical testing. Allele origin: germline. Not counted in ClinVar's aggregate classification.
Comment: This variant is classified as benign based on ACMG/AMP sequence variant interpretation guidelines (Richards et al. 2015 PMID: 25741868, with internal and published modifications).

Clinical Genetics DNA and cytogenetics Diagnostics Lab, Erasmus MC, Erasmus Medical Center
Classification: Likely benign. Review status: no assertion criteria provided. Collection method: clinical testing. Allele origin: germline. Affected: yes. Study: VKGL Data-share Consensus. Not counted in ClinVar's aggregate classification.

Laboratory of Diagnostic Genome Analysis, Leiden University Medical Center (LUMC)
Classification: Likely benign. Review status: no assertion criteria provided. Collection method: clinical testing. Allele origin: germline. Affected: yes. Study: VKGL Data-share Consensus. Not counted in ClinVar's aggregate classification.

NM_001080414.4(CCDC88C):c.4265C>T (p.Ser1422Leu)

Gene: CCDC88C (coiled-coil and HOOK domain protein 88C; minus strand). Cytogenetic location: 14q32.11.
Variant type: single nucleotide variant.
Coding change: c.4265C>T on transcript NM_001080414.4 (MANE Select); coding-DNA position 4265, C replaced by T.
Protein change: p.Ser1422Leu; replaces serine 1422 with leucine.
Molecular consequence: missense variant.
Genome position (GRCh38, 1-based): chr14:91,289,281, G>A on the plus strand (C>T on the coding strand, the complement: CCDC88C is on the minus strand). VCF-style: chr14-91289281-G-A. GRCh37 (hg19) VCF-style: chr14-91755625-G-A.
Other names: short protein forms S1422L.
Identifiers: ClinVar variation 447017 (VCV000447017.55), dbSNP rs202217944, ClinGen allele CA7309060.
Genomic context (GRCh38, chr14:91,289,281, plus strand): 5'-GGGTCTGAGGACTCCAGCTGCCAGGGAGGGCTGTCCACGGTGGATTTTAAGCGTTCCCTC[G>A]AACCCTCTTTCTTTGGTTTGATGAGTTTGACTAAGGCTTTGGCTCCAATCCAGTGGTTCT-3'
Protein context (NP_001073883.2, residues 1412-1432): VKLIKPKKEG[Ser1422Leu]RERLKSTVDS